The following is an entry in ClinVar:

ClinVar aggregate classification (germline): Uncertain significance (1 of 4 stars; one submission).

Allele frequency attached by ClinVar (database versions not stated): TOPMed 0.00007; gnomAD 0.00008 and 0.00011; gnomAD exomes 0.00015 and 0.00025; ESP Exome Variant Server 0.00016; ExAC 0.00032; 1000 Genomes Project 30x 0.00062; 1000 Genomes Project 0.00080.
gnomAD v4.1: 226 of 1,613,846 alleles (0.014%); highest among the groups gnomAD compares: South Asian, 0.13%; no homozygotes.

Submission:

Labcorp Genetics (formerly Invitae), Labcorp
Classification: Uncertain significance. Last evaluated: 2022-08-31. Review status: criteria provided, single submitter. Criteria: Invitae Variant Classification Sherloc (09022015). Collection method: clinical testing. Allele origin: germline.
Comment: In summary, the available evidence is currently insufficient to determine the role of this variant in disease. Therefore, it has been classified as a Variant of Uncertain Significance. Algorithms developed to predict the effect of missense changes on protein structure and function are either unavailable or do not agree on the potential impact of this missense change (SIFT: "Deleterious"; PolyPhen-2: "Probably Damaging"; Align-GVGD: "Class C0"). ClinVar contains an entry for this variant (Variation ID: 1448544). This variant has not been reported in the literature in individuals affected with PITRM1-related conditions. This variant is present in population databases (rs200076818, gnomAD 0.1%). This sequence change replaces proline, which is neutral and non-polar, with leucine, which is neutral and non-polar, at codon 764 of the PITRM1 protein (p.Pro764Leu).

NM_014889.4(PITRM1):c.2585C>T (p.Pro862Leu)

Genes: PITRM1 (pitrilysin metallopeptidase 1; minus strand), PITRM1-AS1 (PITRM1 antisense RNA 1; plus strand). Cytogenetic location: 10p15.2.
Variant type: single nucleotide variant.
Coding change: c.2585C>T on transcript NM_014889.4 (MANE Select); coding-DNA position 2585, C replaced by T.
Protein change: p.Pro862Leu; replaces proline 862 with leucine.
Molecular consequence: missense variant. On other transcripts: non-coding transcript variant (4).
Genome position (GRCh38, 1-based): chr10:3,143,449, G>A on the plus strand (C>T on the coding strand, the complement: PITRM1 is on the minus strand). VCF-style: chr10-3143449-G-A. GRCh37 (hg19) VCF-style: chr10-3185641-G-A.
Other names: c.2588C>T, p.Pro863Leu (NM_001242307.2); c.2291C>T, p.Pro764Leu (NM_001242309.1); c.2387C>T, p.Pro796Leu (NM_001347725.2); c.1772C>T, p.Pro591Leu (NM_001347726.2); c.1970C>T, p.Pro657Leu (NM_001347727.2); c.1280C>T, p.Pro427Leu (NM_001347728.2); c.2561C>T, p.Pro854Leu (NM_001347729.1); c.2363C>T, p.Pro788Leu (NM_001347730.1); short protein forms P764L, P788L, P427L, P854L, P591L, P796L, P863L, P657L.
Identifiers: ClinVar variation 1448544 (VCV001448544.6), dbSNP rs200076818, ClinGen allele CA5387328.